The following is an entry in ClinVar:

NM_138477.4(CDAN1):c.2708_2711dup (p.Gln904fs)

Gene: CDAN1 (codanin 1; minus strand). Cytogenetic location: 15q15.2.
Variant type: Microsatellite.
Coding change: c.2708_2711dup on transcript NM_138477.4 (MANE Select); coding-DNA positions 2708 to 2711, 4 bases duplicated (CACA; older notation c.2708_2711dupCACA).
Protein change: p.Gln904fs; shifts the reading frame from glutamine 904.
Molecular consequence: frameshift variant.
Genome position (GRCh38, 1-based): chr15:42,728,745-42,728,748, TGTG duplicated on the plus strand (CACA on the coding strand, the reverse complement: CDAN1 is on the minus strand); duplicating any 4 consecutive bases within chr15:42,728,745-42,728,749 gives the same sequence; the c. name uses the placement nearest the transcript's 3' end. VCF-style (leftmost placement, unchanged base first): chr15-42728744-C-CTGTG. GRCh37 (hg19) VCF-style: chr15-43020942-C-CTGTG.
Other names: short protein forms Q904fs.
Identifiers: ClinVar variation 2005367 (VCV002005367.4), dbSNP rs2506085601, ClinGen allele CA2580613799.

ClinVar aggregate classification (germline): Pathogenic (1 of 4 stars; one submission).

Submission:

Labcorp Genetics (formerly Invitae), Labcorp
Classification: Pathogenic. Last evaluated: 2022-06-13. Review status: criteria provided, single submitter. Criteria: Invitae Variant Classification Sherloc (09022015). Collection method: clinical testing. Allele origin: germline.
Comment: For these reasons, this variant has been classified as Pathogenic. This sequence change creates a premature translational stop signal (p.Gln904Hisfs*101) in the CDAN1 gene. It is expected to result in an absent or disrupted protein product. Loss-of-function variants in CDAN1 are known to be pathogenic (PMID: 16098079, 16141353). This variant is not present in population databases (gnomAD no frequency). This variant has not been reported in the literature in individuals affected with CDAN1-related conditions.

Literature cited by the submitters: PubMed 16098079; PubMed 16141353.